The following is an entry in ClinVar:

ClinVar aggregate classification (germline): Benign. Review status: criteria provided, multiple submitters, no conflicts (2 of 4 stars). 3 submissions from 3 submitters: Benign (3). Last evaluated 2026-02-04.

Conditions:
Gingival disorder. Also called: Gingival disease. Identifiers: MedGen C0017563, MONDO:0002021.

Allele frequency attached by ClinVar (database versions not stated): ESP Exome Variant Server 0.77249; gnomAD exomes 0.78305 and 0.80678; gnomAD 0.78476 and 0.78936; TOPMed 0.78944; ExAC 0.80533; 1000 Genomes Project 0.83407; 1000 Genomes Project 30x 0.83417.

Submissions (3):

Labcorp Genetics (formerly Invitae), Labcorp
Classification: Benign for Gingival disorder. Last evaluated: 2026-02-04. Review status: criteria provided, single submitter. Criteria: Invitae Variant Classification Sherloc (09022015). Collection method: clinical testing. Allele origin: germline.

Laboratory for Molecular Medicine, Mass General Brigham Personalized Medicine
Classification: Benign. Last evaluated: 2016-03-28. Review status: criteria provided, single submitter. Criteria: LMM Criteria. Collection method: clinical testing. Allele origin: germline.
Comment: Variant identified in a genome or exome case(s) and assessed due to predicted null impact of the variant or pathogenic assertions in the literature or databases. Disclaimer: This variant has not undergone full assessment. The following are preliminary notes: Frequency

Breakthrough Genomics
Classification: Benign. Review status: criteria provided, single submitter. Criteria: ACMG Guidelines, 2015. Collection method: not provided. Allele origin: germline. Inheritance: Unknown mechanism. Affected: yes.

NM_002029.4(FPR1):c.32T>C (p.Ile11Thr)

Gene: FPR1 (formyl peptide receptor 1; minus strand). Cytogenetic location: 19q13.41.
Variant type: single nucleotide variant.
Coding change: c.32T>C on transcript NM_002029.4 (MANE Select); coding-DNA position 32, T replaced by C.
Protein change: p.Ile11Thr; replaces isoleucine 11 with threonine.
Molecular consequence: missense variant.
Genome position (GRCh38, 1-based): chr19:51,746,963, A>G on the plus strand (T>C on the coding strand, the complement: FPR1 is on the minus strand). VCF-style: chr19-51746963-A-G. GRCh37 (hg19) VCF-style: chr19-52250216-A-G.
Other names: c.32T>C, p.Ile11Thr (NM_001193306.2); short protein forms I11T.
Identifiers: ClinVar variation 402879 (VCV000402879.17), dbSNP rs5030878, ClinGen allele CA9616539.
Genomic context (GRCh38, chr19:51,746,963, plus strand): 5'-AGATAAGTGATGATATCCAGGAAGAGATAGCCAGCAGATACAGCAGGTGTCCCTCCAGAG[A>G]TGTTCGTGGGGAGAGAGGAATTTGTCTCCATCTTGTCTGCTCCTGAAATAGTGCAGTCGT-3'
Protein context (NP_002020.1, residues 1-21): METNSSLPTN[Ile11Thr]SGGTPAVSAG